The following is an entry in ClinVar:

ClinVar aggregate classification (germline): Uncertain significance (0 of 4 stars; one submission).

gnomAD v4.1: 3 of 1,614,042 alleles (0.00019%); highest among the groups gnomAD compares: Non-Finnish European, 0.00017%; no homozygotes.

Submission:

Department of Pathology and Laboratory Medicine, Sinai Health System
Classification: Uncertain significance. Review status: no assertion criteria provided. Collection method: clinical testing. Allele origin: unknown. Affected: yes. Study: The Canadian Open Genetics Repository (COGR).
Comment: The SLC16A12 p.Trp203Cys variant was not identified in the literature nor was it identified in ClinVar. The variant was identified in dbSNP (ID: rs780179198) and in control databases in 2 of 251050 chromosomes at a frequency of 0.000007967 (Genome Aggregation Database March 6, 2019, v2.1.1). The variant was observed in the following populations: Other in 1 of 6120 chromosomes (freq: 0.000163) and European (non-Finnish) in 1 of 113514 chromosomes (freq: 0.000009), but was not observed in the African, Latino, Ashkenazi Jewish, East Asian, European (Finnish), or South Asian populations. The p.Trp203 residue is conserved in mammals but not in more distantly related organisms, and computational analyses (PolyPhen-2, SIFT, AlignGVGD, BLOSUM, MutationTaster) suggest that the variant may impact the protein; however, this information is not predictive enough to assume pathogenicity. The variant occurs outside of the splicing consensus sequence and in silico or computational prediction software programs (SpliceSiteFinder, MaxEntScan, NNSPLICE, GeneSplicer) do not predict a difference in splicing. In summary, based on the above information the clinical significance of this variant cannot be determined with certainty at this time. This variant is classified as a variant of uncertain significance.

NM_213606.4(SLC16A12):c.609G>T (p.Trp203Cys)

Gene: SLC16A12 (solute carrier family 16 member 12; minus strand). Cytogenetic location: 10q23.31.
Variant type: single nucleotide variant.
Coding change: c.609G>T on transcript NM_213606.4 (MANE Select); coding-DNA position 609, G replaced by T.
Protein change: p.Trp203Cys; replaces tryptophan 203 with cysteine.
Molecular consequence: missense variant.
Genome position (GRCh38, 1-based): chr10:89,439,023, C>A on the plus strand (G>T on the coding strand, the complement: SLC16A12 is on the minus strand). VCF-style: chr10-89439023-C-A. GRCh37 (hg19) VCF-style: chr10-91198780-C-A.
Other names: short protein forms W203C.
Identifiers: ClinVar variation 1049611 (VCV001049611.1), dbSNP rs780179198, ClinGen allele CA5595468.